The following is an entry in ClinVar:

NM_022089.4(ATP13A2):c.20C>T (p.Pro7Leu)

Gene: ATP13A2 (ATPase cation transporting 13A2; minus strand). Cytogenetic location: 1p36.13.
Variant type: single nucleotide variant.
Coding change: c.20C>T on transcript NM_022089.4 (MANE Select); coding-DNA position 20, C replaced by T.
Protein change: p.Pro7Leu; replaces proline 7 with leucine.
Molecular consequence: missense variant.
Genome position (GRCh38, 1-based): chr1:17,005,769, G>A on the plus strand (C>T on the coding strand, the complement: ATP13A2 is on the minus strand). VCF-style: chr1-17005769-G-A. GRCh37 (hg19) VCF-style: chr1-17332264-G-A.
Other names: c.20C>T, p.Pro7Leu (NM_001141973.3, NM_001141974.3); short protein forms P7L.
Identifiers: ClinVar variation 1429896 (VCV001429896.6), dbSNP rs2077535736, ClinGen allele CA338265790.

ClinVar aggregate classification (germline): Uncertain significance (1 of 4 stars; one submission).

Conditions:
Autosomal recessive spastic paraplegia type 78. Identifiers: Orphanet 513436, MedGen C5567893, MONDO:0014975, OMIM 617225.
Kufor-Rakeb syndrome (KRS). Also called: PARKINSON DISEASE 9, AUTOSOMAL RECESSIVE, JUVENILE-ONSET. Identifiers: Orphanet 306674, Orphanet 314632, MedGen C1847640, MONDO:0011706, OMIM 606693.

Allele frequency attached by ClinVar (database versions not stated): gnomAD exomes below 0.00001.
gnomAD v4.1: 1 of 1,611,070 alleles (0.000062%); highest among the groups gnomAD compares: Non-Finnish European, 0.000085%; no homozygotes.

Submission:

Labcorp Genetics (formerly Invitae), Labcorp
Classification: Uncertain significance for Kufor-Rakeb syndrome; Autosomal recessive spastic paraplegia type 78. Last evaluated: 2021-08-02. Review status: criteria provided, single submitter. Criteria: Invitae Variant Classification Sherloc (09022015). Collection method: clinical testing. Allele origin: germline.
Comment: In summary, the available evidence is currently insufficient to determine the role of this variant in disease. Therefore, it has been classified as a Variant of Uncertain Significance. Advanced modeling of protein sequence and biophysical properties (such as structural, functional, and spatial information, amino acid conservation, physicochemical variation, residue mobility, and thermodynamic stability) performed at Invitae indicates that this missense variant is not expected to disrupt ATP13A2 protein function. This variant has not been reported in the literature in individuals affected with ATP13A2-related conditions. This variant is not present in population databases (ExAC no frequency). This sequence change replaces proline with leucine at codon 7 of the ATP13A2 protein (p.Pro7Leu). The proline residue is weakly conserved and there is a moderate physicochemical difference between proline and leucine.